The following is an entry in ClinVar:

NM_170675.5(MEIS2):c.647C>A (p.Ser216Tyr)

Gene: MEIS2 (Meis homeobox 2; minus strand). Cytogenetic location: 15q14.
Variant type: single nucleotide variant.
Coding change: c.647C>A on transcript NM_170675.5 (MANE Select); coding-DNA position 647, C replaced by A.
Protein change: p.Ser216Tyr; replaces serine 216 with tyrosine.
Molecular consequence: missense variant. On other transcripts: non-coding transcript variant (1).
Genome position (GRCh38, 1-based): chr15:37,083,878, G>T on the plus strand (C>A on the coding strand, the complement: MEIS2 is on the minus strand). VCF-style: chr15-37083878-G-T. GRCh37 (hg19) VCF-style: chr15-37376079-G-T.
Other names: c.647C>A, p.Ser216Tyr (NM_001220482.2, NM_170674.5, NM_170676.5 and 1 more transcripts); c.608C>A, p.Ser203Tyr (NM_002399.4, NM_172315.3); c.383C>A, p.Ser128Tyr (NM_172316.3); short protein forms S128Y, S203Y, S216Y.
Identifiers: ClinVar variation 4775349 (VCV004775349.1).
Genomic context (GRCh38, chr15:37,083,878, plus strand): 5'-GAGGGCCCTGGGGTGCCTGCTGAGTGGGTTGAGGTTGCATCATCGTGGTCTCGCCAAGAA[G>T]AAGGGTTCTGATGTCAGGATACCAAGGAATTTTTCCACAGTTACCATTTCAGCCATCAAT-3'
Protein context (NP_733775.1, residues 206-226): SSTNLADHNP[Ser216Tyr]SWRDHDDATS

ClinVar aggregate classification (germline): Uncertain significance (1 of 4 stars; one submission).

Conditions:
Cardiac malformation, cleft lip/palate, microcephaly, and digital anomalies. Also called: CLEFT PALATE, CARDIAC DEFECTS, AND IMPAIRED INTELLECTUAL DEVELOPMENT. Identifiers: MedGen C1832950, MONDO:0010970, OMIM 600987.

Submission:

Labcorp Genetics (formerly Invitae), Labcorp
Classification: Uncertain significance for Cardiac malformation, cleft lip/palate, microcephaly, and digital anomalies. Last evaluated: 2025-08-11. Review status: criteria provided, single submitter. Criteria: Invitae Variant Classification Sherloc (09022015). Collection method: clinical testing. Allele origin: germline.
Comment: This sequence change replaces serine, which is neutral and polar, with tyrosine, which is neutral and polar, at codon 216 of the MEIS2 protein (p.Ser216Tyr). This variant is not present in population databases (gnomAD no frequency). This variant has not been reported in the literature in individuals affected with MEIS2-related conditions. Invitae Evidence Modeling of protein sequence and biophysical properties (such as structural, functional, and spatial information, amino acid conservation, physicochemical variation, residue mobility, and thermodynamic stability) indicates that this missense variant is not expected to disrupt MEIS2 protein function with a negative predictive value of 80%. In summary, the available evidence is currently insufficient to determine the role of this variant in disease. Therefore, it has been classified as a Variant of Uncertain Significance.